The following is an entry in ClinVar:

ClinVar aggregate classification (germline): Uncertain significance (1 of 4 stars; one submission).

Conditions:
Craniofacial dysmorphism, skeletal anomalies, and impaired intellectual development 1 (CFSMR1). Also called: Cerebrofaciothoracic dysplasia. Identifiers: Orphanet 1394, MedGen C5677021, MONDO:0800436, OMIM 213980.

Allele frequency attached by ClinVar (database versions not stated): gnomAD exomes below 0.00001.
gnomAD v4.1: 1 of 1,614,130 alleles (0.000062%); highest among the groups gnomAD compares: Non-Finnish European, 0.000085%; no homozygotes.

Submission:

Institute of Human Genetics, University of Leipzig Medical Center
Classification: Uncertain significance for Craniofacial dysmorphism, skeletal anomalies, and impaired intellectual development 1. Last evaluated: 2019-10-22. Review status: criteria provided, single submitter. Criteria: ACMG Guidelines, 2015. Collection method: clinical testing. Allele origin: germline. Affected: yes.
Comment: The variant was confirmed as compound heterozygous with a pathogenic variant (NM_019026.4: c.292_293del).

NM_019026.6(TMCO1):c.44C>T (p.Ser15Phe)

Gene: TMCO1 (transmembrane and coiled-coil domains 1; minus strand). Cytogenetic location: 1q24.1.
Variant type: single nucleotide variant.
Coding change: c.44C>T on transcript NM_019026.6 (MANE Select); coding-DNA position 44, C replaced by T.
Protein change: p.Ser15Phe; replaces serine 15 with phenylalanine.
Molecular consequence: missense variant. On other transcripts: 5 prime UTR variant (1), intron variant (1).
Genome position (GRCh38, 1-based): chr1:165,768,708, G>A on the plus strand (C>T on the coding strand, the complement: TMCO1 is on the minus strand). VCF-style: chr1-165768708-G-A. GRCh37 (hg19) VCF-style: chr1-165737945-G-A.
Other names: c.-193C>T (NM_001256165.1); c.146+51C>T (NM_001256164.1); short protein forms S15F.
Identifiers: ClinVar variation 873451 (VCV000873451.1), dbSNP rs1652676730, ClinGen allele CA343435482.
Genomic context (GRCh38, chr1:165,768,708, plus strand): 5'-ACTGATCAAACGTCTGAGAAATACCCGCTCTCACCCTCTGCGAGCAGAGCCGTGCACACA[G>A]AGATAAAAACGATGAGGAGAGTGTCCGCGAACATAGTGCTCATCTCGCACCTTCGTCTCT-3'
Protein context (NP_061899.3, residues 5-25): FADTLLIVFI[Ser15Phe]VCTALLAEGI